The following is an entry in ClinVar:

NM_144997.7(FLCN):c.1487C>A (p.Ser496Tyr)

Gene: FLCN (folliculin; minus strand). Cytogenetic location: 17p11.2.
Variant type: single nucleotide variant.
Coding change: c.1487C>A on transcript NM_144997.7 (MANE Select); coding-DNA position 1487, C replaced by A.
Protein change: p.Ser496Tyr; replaces serine 496 with tyrosine.
Molecular consequence: missense variant.
Genome position (GRCh38, 1-based): chr17:17,215,036, G>T on the plus strand (C>A on the coding strand, the complement: FLCN is on the minus strand). VCF-style: chr17-17215036-G-T. GRCh37 (hg19) VCF-style: chr17-17118350-G-T.
Other names: c.1541C>A, p.Ser514Tyr (NM_001353229.2); c.1487C>A, p.Ser496Tyr (NM_001353230.2, NM_001353231.2); short protein forms S496Y, S514Y.
Identifiers: ClinVar variation 2586494 (VCV002586494.2), dbSNP rs750535468, ClinGen allele CA398530867.

ClinVar aggregate classification (germline): Uncertain significance (1 of 4 stars; one submission).

Conditions:
Hereditary cancer-predisposing syndrome. Also called: Hereditary neoplastic syndrome; Tumor predisposition; Hereditary Cancer Syndrome; Neoplastic Syndromes, Hereditary. Identifiers: Orphanet 140162, MedGen C0027672, MeSH D009386, MONDO:0015356.

Submission:

Ambry Genetics
Classification: Uncertain significance for Hereditary cancer-predisposing syndrome. Last evaluated: 2023-07-09. Review status: criteria provided, single submitter. Criteria: Ambry Variant Classification Scheme 2023. Collection method: clinical testing. Allele origin: germline.
Comment: The p.S496Y variant (also known as c.1487C>A), located in coding exon 10 of the FLCN gene, results from a C to A substitution at nucleotide position 1487. The serine at codon 496 is replaced by tyrosine, an amino acid with dissimilar properties. This amino acid position is conserved. In addition, this alteration is predicted to be deleterious by in silico analysis. Since supporting evidence is limited at this time, the clinical significance of this alteration remains unclear.